The following is an entry in ClinVar:

ClinVar aggregate classification (germline): Uncertain significance. Review status: criteria provided, multiple submitters, no conflicts (2 of 4 stars). 3 submissions from 3 submitters: Uncertain significance (3). Last evaluated 2025-11-03.

Conditions:
Hereditary cancer-predisposing syndrome. Also called: Neoplastic Syndromes, Hereditary; Tumor predisposition; Hereditary Cancer Syndrome; Hereditary neoplastic syndrome. Identifiers: Orphanet 140162, MedGen C0027672, MeSH D009386, MONDO:0015356.
Multiple endocrine neoplasia, type 2 (MEN2). Identifiers: Orphanet 653, MedGen C4048306, MONDO:0019003. Disease mechanism: gain of function.

Submissions (3):

Ambry Genetics
Classification: Uncertain significance for Hereditary cancer-predisposing syndrome. Last evaluated: 2025-11-03. Review status: criteria provided, single submitter. Criteria: Ambry Variant Classification Scheme 2023. Collection method: clinical testing. Allele origin: germline.
Comment: The p.K523R variant (also known as c.1568A>G), located in coding exon 8 of the RET gene, results from an A to G substitution at nucleotide position 1568. The lysine at codon 523 is replaced by arginine, an amino acid with highly similar properties. This amino acid position is well conserved in available vertebrate species. In addition, the in silico prediction for this alteration is inconclusive. Since supporting evidence is limited at this time, the clinical significance of this alteration remains unclear.

Labcorp Genetics (formerly Invitae), Labcorp
Classification: Uncertain significance for Multiple endocrine neoplasia, type 2. Last evaluated: 2025-08-20. Review status: criteria provided, single submitter. Criteria: Invitae Variant Classification Sherloc (09022015). Collection method: clinical testing. Allele origin: germline.
Comment: This sequence change replaces lysine, which is basic and polar, with arginine, which is basic and polar, at codon 523 of the RET protein (p.Lys523Arg). This variant is not present in population databases (gnomAD no frequency). This variant has not been reported in the literature in individuals affected with RET-related conditions. ClinVar contains an entry for this variant (Variation ID: 819536). An algorithm developed to predict the effect of missense changes on protein structure and function (PolyPhen-2) suggests that this variant is likely to be disruptive. In summary, the available evidence is currently insufficient to determine the role of this variant in disease. Therefore, it has been classified as a Variant of Uncertain Significance.

Blueprint Genetics
Classification: Uncertain significance. Last evaluated: 2024-06-17. Review status: criteria provided, single submitter. Criteria: ACMG Guidelines, 2015. Collection method: clinical testing. Allele origin: germline.

NM_020975.6(RET):c.1568A>G (p.Lys523Arg)

Gene: RET (ret proto-oncogene; plus strand). Cytogenetic location: 10q11.21.
Variant type: single nucleotide variant.
Coding change: c.1568A>G on transcript NM_020975.6 (MANE Select); coding-DNA position 1568, A replaced by G.
Protein change: p.Lys523Arg; replaces lysine 523 with arginine.
Molecular consequence: missense variant.
Genome position (GRCh38, 1-based): chr10:43,112,144, A>G. VCF-style: chr10-43112144-A-G. GRCh37 (hg19) VCF-style: chr10-43607592-A-G.
Other names: c.1568A>G, p.Lys523Arg (NM_000323.2, NM_001406743.1, NM_001406744.1 and 6 more transcripts); c.806A>G, p.Lys269Arg (NM_001355216.2); c.1439A>G, p.Lys480Arg (NM_001406761.1, NM_001406762.1, NM_001406764.1 and 1 more transcripts); c.1280A>G, p.Lys427Arg (NM_001406766.1, NM_001406767.1, NM_001406770.1); c.1172A>G, p.Lys391Arg (NM_001406769.1, NM_001406772.1); c.1130A>G, p.Lys377Arg (NM_001406771.1, NM_001406773.1); c.1043A>G, p.Lys348Arg (NM_001406774.1); c.842A>G, p.Lys281Arg (NM_001406775.1, NM_001406776.1, NM_001406777.1 and 1 more transcripts); and 5 more; short protein forms K523R, K269R, K128R, K40R, K427R, K193R, K377R, K224R.
Identifiers: ClinVar variation 819536 (VCV000819536.11), dbSNP rs1588872122, ClinGen allele CA376550415.